The following is an entry in ClinVar:

ClinVar aggregate classification (germline): Likely benign. Review status: criteria provided, multiple submitters, no conflicts (2 of 4 stars). 2 submissions from 2 submitters: Likely benign (2). Last evaluated 2026-01-12.

Conditions:
Parkinsonism-dystonia, infantile. Identifiers: Orphanet 238455, MedGen C2751067, MONDO:0013150.

Allele frequency attached by ClinVar (database versions not stated): gnomAD 0.00004; gnomAD exomes 0.00005 and 0.00007; TOPMed 0.00006; ExAC 0.00008; ESP Exome Variant Server 0.00015.

Submissions (2):

Labcorp Genetics (formerly Invitae), Labcorp
Classification: Likely benign for Parkinsonism-dystonia, infantile. Last evaluated: 2026-01-12. Review status: criteria provided, single submitter. Criteria: Invitae Variant Classification Sherloc (09022015). Collection method: clinical testing. Allele origin: germline.

CeGaT Center for Human Genetics Tuebingen
Classification: Likely benign. Last evaluated: 2025-11-01. Review status: criteria provided, single submitter. Criteria: CeGaT Center For Human Genetics Tuebingen Variant Classification Criteria Version 2. Collection method: clinical testing. Allele origin: germline. Affected: yes. Observed: 1 variant allele.
Comment: SLC6A3: BP4, BP7

NM_001044.5(SLC6A3):c.498T>C (p.Tyr166=)

Gene: SLC6A3 (solute carrier family 6 member 3). Cytogenetic location: 5p15.33.
Variant type: single nucleotide variant.
Coding change: c.498T>C on transcript NM_001044.5 (MANE Select); coding-DNA position 498, T replaced by C.
Protein change: p.Tyr166=; no amino-acid change (tyrosine 166 retained).
Molecular consequence: synonymous variant.
Genome position (GRCh38, 1-based): chr5:1,432,619, A>G on the plus strand (T>C on the coding strand, the complement: SLC6A3 is on the minus strand). VCF-style: chr5-1432619-A-G. GRCh37 (hg19) VCF-style: chr5-1432734-A-G.
Identifiers: ClinVar variation 699104 (VCV000699104.14), dbSNP rs376593673, ClinGen allele CA3186353.
Genomic context (GRCh38, chr5:1,432,619, plus strand): 5'-GCTGTTCCAGGAGTTGTTGCAGTGGATCCAGGGGAGCTCCGTGGTGAAGGAGGAGAAGAG[A>G]TAGTGCAGCGCCCAGGCGATGATGACGTTGTAGAAGAAGCCGACATACAGTGAGATGAGG-3'
Protein context (NP_001035.1, residues 156-176): YNVIIAWALH[Tyr166=]LFSSFTTELP